The following is an entry in ClinVar:

ClinVar aggregate classification (germline): Uncertain significance (1 of 4 stars; one submission).

Conditions:
Developmental and epileptic encephalopathy, 30 (DEE30). Also called: Epileptic encephalopathy, early infantile, 30. Identifiers: MedGen C4225360, MONDO:0014595, OMIM 616341.

Allele frequency attached by ClinVar (database versions not stated): ExAC 0.00002.

Submission:

Labcorp Genetics (formerly Invitae), Labcorp
Classification: Uncertain significance for Developmental and epileptic encephalopathy, 30. Last evaluated: 2025-04-02. Review status: criteria provided, single submitter. Criteria: Invitae Variant Classification Sherloc (09022015). Collection method: clinical testing. Allele origin: germline.
Comment: This sequence change replaces proline, which is neutral and non-polar, with threonine, which is neutral and polar, at codon 420 of the SIK1 protein (p.Pro420Thr). The frequency data for this variant in the population databases is considered unreliable, as metrics indicate poor data quality at this position in the gnomAD database. This variant has not been reported in the literature in individuals affected with SIK1-related conditions. ClinVar contains an entry for this variant (Variation ID: 2760479). Invitae Evidence Modeling of protein sequence and biophysical properties (such as structural, functional, and spatial information, amino acid conservation, physicochemical variation, residue mobility, and thermodynamic stability) indicates that this missense variant is not expected to disrupt SIK1 protein function with a negative predictive value of 95%. In summary, the available evidence is currently insufficient to determine the role of this variant in disease. Therefore, it has been classified as a Variant of Uncertain Significance.

NM_173354.5(SIK1):c.1258C>A (p.Pro420Thr)

Gene: SIK1 (salt inducible kinase 1; minus strand). Cytogenetic location: 21q22.3.
Variant type: single nucleotide variant.
Coding change: c.1258C>A on transcript NM_173354.5 (MANE Select); coding-DNA position 1258, C replaced by A.
Protein change: p.Pro420Thr; replaces proline 420 with threonine.
Molecular consequence: missense variant.
Genome position (GRCh38, 1-based): chr21:43,419,225, G>T on the plus strand (C>A on the coding strand, the complement: SIK1 is on the minus strand). VCF-style: chr21-43419225-G-T. GRCh37 (hg19) VCF-style: chr21-44839105-G-T.
Other names: short protein forms P420T.
Identifiers: ClinVar variation 2760479 (VCV002760479.3), dbSNP rs768197130, ClinGen allele CA321325954.